The following is an entry in ClinVar:

ClinVar aggregate classification (germline): Uncertain significance (1 of 4 stars; one submission).

Submission:

Labcorp Genetics (formerly Invitae), Labcorp
Classification: Uncertain significance. Last evaluated: 2024-07-27. Review status: criteria provided, single submitter. Criteria: Invitae Variant Classification Sherloc (09022015). Collection method: clinical testing. Allele origin: germline.
Comment: This sequence change affects an acceptor splice site in intron 3 of the SLC1A2 gene. It is expected to disrupt RNA splicing. Variants that disrupt the donor or acceptor splice site typically lead to a loss of protein function (PMID: 16199547), however the current clinical and genetic evidence is not sufficient to establish whether loss-of-function variants in SLC1A2 cause disease. This variant is not present in population databases (gnomAD no frequency). This variant has not been reported in the literature in individuals affected with SLC1A2-related conditions. Algorithms developed to predict the effect of sequence changes on RNA splicing suggest that this variant may disrupt the consensus splice site. In summary, the available evidence is currently insufficient to determine the role of this variant in disease. Therefore, it has been classified as a Variant of Uncertain Significance.

Literature cited by the submitters: PubMed 16199547.

NM_004171.4(SLC1A2):c.311-2A>G

Gene: SLC1A2 (solute carrier family 1 member 2; minus strand). Cytogenetic location: 11p13.
Variant type: single nucleotide variant.
Coding change: c.311-2A>G on transcript NM_004171.4 (MANE Select); the canonical splice acceptor site of the intron before coding-DNA position 311, A replaced by G.
Molecular consequence: splice acceptor variant.
Genome position (GRCh38, 1-based): chr11:35,312,450, T>C on the plus strand (A>G on the coding strand, the complement: SLC1A2 is on the minus strand). VCF-style: chr11-35312450-T-C. GRCh37 (hg19) VCF-style: chr11-35333997-T-C.
Other names: c.284-2A>G (NM_001195728.3, NM_001252652.2).
Identifiers: ClinVar variation 3660709 (VCV003660709.2).